The following is an entry in ClinVar:

NM_032382.5(COG8):c.1143A>G (p.Lys381=)

Gene: COG8 (component of oligomeric golgi complex 8; minus strand). Cytogenetic location: 16q22.1.
Variant type: single nucleotide variant.
Coding change: c.1143A>G on transcript NM_032382.5 (MANE Select); coding-DNA position 1143, A replaced by G.
Protein change: p.Lys381=; no amino-acid change (lysine 381 retained).
Molecular consequence: synonymous variant.
Genome position (GRCh38, 1-based): chr16:69,334,791, T>C on the plus strand (A>G on the coding strand, the complement: COG8 is on the minus strand). VCF-style: chr16-69334791-T-C. GRCh37 (hg19) VCF-style: chr16-69368694-T-C.
Other names: c.1143A>G, p.Lys381= (NM_001374871.1, NM_001379261.1, NM_001379262.1 and 4 more transcripts).
Identifiers: ClinVar variation 388256 (VCV000388256.1), dbSNP rs754164049, ClinGen allele CA8133777.

ClinVar aggregate classification (germline): Likely benign (1 of 4 stars; one submission).

Allele frequency attached by ClinVar (database versions not stated): TOPMed below 0.00001; gnomAD exomes 0.00001; ExAC 0.00008.

Submission:

GeneDx
Classification: Likely benign. Last evaluated: 2016-08-17. Review status: criteria provided, single submitter. Criteria: GeneDx Variant Classification (06012015). Collection method: clinical testing. Allele origin: germline. Affected: yes.
Comment: This variant is considered likely benign or benign based on one or more of the following criteria: it is a conservative change, it occurs at a poorly conserved position in the protein, it is predicted to be benign by multiple in silico algorithms, and/or has population frequency not consistent with disease.